The following is an entry in ClinVar:

ClinVar aggregate classification (germline): Uncertain significance. Review status: criteria provided, multiple submitters, no conflicts (2 of 4 stars). 4 submissions from 4 submitters: Uncertain significance (4). Last evaluated 2026-04-15.

Conditions:
PKP2-related disorder. Also called: PKP2-related condition.
Arrhythmogenic right ventricular dysplasia 9 (ARVD9). Also called: Arrhythmogenic Right Ventricular Dysplasia/Cardiomyopathy 9; ARRHYTHMOGENIC RIGHT VENTRICULAR DYSPLASIA, FAMILIAL, 9. Identifiers: MedGen C1836906, MONDO:0012180, OMIM 609040.

Allele frequency attached by ClinVar (database versions not stated): TOPMed 0.00004; ExAC 0.00001; gnomAD 0.00001; gnomAD exomes 0.00001.
gnomAD v4.1: 11 of 1,612,900 alleles (0.00068%); highest among the groups gnomAD compares: African/African-American, 0.0053%; no homozygotes.

Submissions (4):

PreventionGenetics, part of Exact Sciences
Classification: Uncertain significance for PKP2-related condition. Last evaluated: 2026-04-15. Review status: criteria provided, single submitter. Criteria: ACMG Guidelines, 2015. Collection method: clinical testing. Allele origin: germline.
Comment: The PKP2 c.1163G>A variant is predicted to result in the amino acid substitution p.Arg388Gln. This variant has been reported as a variant of uncertain significance in an individual with arrhythmogenic right ventricular cardiomyopathy/dysplasia (Table S3, Stafford et al. 2022. PubMed ID: 36578016). This variant has also been reported in an individual with restrictive cardiomyopathy and hypertrabeculation (Aristizabal et al. 2024. PubMed ID: 38922273). This variant is reported in 0.0050% of alleles in individuals of East Asian descent in gnomAD. An alternate missense change at the same amino acid position (p.Arg388Trp) has been reported in individuals with arrhythmogenic right ventricular cardiomyopathy/dysplasia (Watkins et al. 2009. PubMed ID: 19880068). At this time, the clinical significance of the c.1163G>A (p.Arg388Gln) variant is uncertain due to the absence of conclusive functional and genetic evidence.

Genomic Medicine Center of Excellence, King Faisal Specialist Hospital and Research Centre
Classification: Uncertain significance for Arrhythmogenic right ventricular dysplasia 9. Last evaluated: 2024-12-19. Review status: criteria provided, single submitter. Criteria: ACMG Guidelines, 2015. Collection method: clinical testing. Allele origin: germline.

Labcorp Genetics (formerly Invitae), Labcorp
Classification: Uncertain significance for Arrhythmogenic right ventricular dysplasia 9. Last evaluated: 2024-12-11. Review status: criteria provided, single submitter. Criteria: Invitae Variant Classification Sherloc (09022015). Collection method: clinical testing. Allele origin: germline.
Comment: This sequence change replaces arginine, which is basic and polar, with glutamine, which is neutral and polar, at codon 388 of the PKP2 protein (p.Arg388Gln). This variant is present in population databases (rs756000218, gnomAD 0.005%). This missense change has been observed in individual(s) with clinical features of arrhythmogenic right ventricular cardiomyopathy (PMID: 36578016). ClinVar contains an entry for this variant (Variation ID: 1413366). An algorithm developed to predict the effect of missense changes on protein structure and function (PolyPhen-2) suggests that this variant is likely to be disruptive. This variant disrupts the p.Arg388 amino acid residue in PKP2. Other variant(s) that disrupt this residue have been determined to be pathogenic (PMID: 19880068, 20152563, 24967631). This suggests that this residue is clinically significant, and that variants that disrupt this residue are likely to be disease-causing. In summary, the available evidence is currently insufficient to determine the role of this variant in disease. Therefore, it has been classified as a Variant of Uncertain Significance.

Fulgent Genetics
Classification: Uncertain significance for Arrhythmogenic right ventricular dysplasia 9. Last evaluated: 2021-08-11. Review status: criteria provided, single submitter. Criteria: ACMG Guidelines, 2015. Collection method: clinical testing. Allele origin: unknown.

Literature cited by the submitters: PubMed 36578016 (cited by Labcorp Genetics (formerly Invitae), Labcorp); PubMed 19880068 (cited by Labcorp Genetics (formerly Invitae), Labcorp); PubMed 20152563 (cited by Labcorp Genetics (formerly Invitae), Labcorp); PubMed 24967631 (cited by Labcorp Genetics (formerly Invitae), Labcorp).

NM_001005242.3(PKP2):c.1163G>A (p.Arg388Gln)

Gene: PKP2 (plakophilin 2; minus strand). Cytogenetic location: 12p11.21.
Variant type: single nucleotide variant.
Coding change: c.1163G>A on transcript NM_001005242.3 (MANE Select); coding-DNA position 1163, G replaced by A.
Protein change: p.Arg388Gln; replaces arginine 388 with glutamine.
Molecular consequence: missense variant.
Genome position (GRCh38, 1-based): chr12:32,868,934, C>T on the plus strand (G>A on the coding strand, the complement: PKP2 is on the minus strand). VCF-style: chr12-32868934-C-T. GRCh37 (hg19) VCF-style: chr12-33021868-C-T.
Other names: c.1163G>A, p.Arg388Gln (NM_004572.4); short protein forms R388Q.
Identifiers: ClinVar variation 1413366 (VCV001413366.9), dbSNP rs756000218, ClinGen allele CA027157.